The following is an entry in ClinVar:

ClinVar aggregate classification (germline): Pathogenic (1 of 4 stars; one submission).

Conditions:
Marinesco-Sjögren syndrome (MSS). Also called: Marinesco-Sjogren Syndrome; Marinesco-SjÃ¶gren syndrome. Identifiers: Orphanet 559, MedGen C0024814, MONDO:0009567, OMIM 248800.

Submission:

Baylor Genetics
Classification: Pathogenic for Marinesco-Sjögren syndrome. Last evaluated: 2019-06-17. Review status: criteria provided, single submitter. Criteria: ACMG Guidelines, 2015. Collection method: clinical testing. Allele origin: unknown. Affected: yes.
Comment: This variant was determined to be pathogenic according to ACMG Guidelines, 2015 [PMID:25741868].

NM_022464.5(SIL1):c.1321G>T (p.Glu441Ter)

Gene: SIL1 (SIL1 nucleotide exchange factor; minus strand). Cytogenetic location: 5q31.2.
Variant type: single nucleotide variant.
Coding change: c.1321G>T on transcript NM_022464.5 (MANE Select); coding-DNA position 1321, G replaced by T.
Protein change: p.Glu441Ter; replaces glutamic acid 441 with a stop codon.
Molecular consequence: nonsense.
Genome position (GRCh38, 1-based): chr5:138,947,182, C>A on the plus strand (G>T on the coding strand, the complement: SIL1 is on the minus strand). VCF-style: chr5-138947182-C-A. GRCh37 (hg19) VCF-style: chr5-138282871-C-A.
Other names: c.1321G>T, p.Glu441Ter (NM_001037633.2); short protein forms E441*.
Identifiers: ClinVar variation 1028267 (VCV001028267.1), dbSNP rs779649580, ClinGen allele CA361136453.